The following is an entry in ClinVar:

NM_000289.6(PFKM):c.1302_1303del (p.Val435fs)

Gene: PFKM (phosphofructokinase, muscle; plus strand). Cytogenetic location: 12q13.11.
Variant type: Deletion.
Coding change: c.1302_1303del on transcript NM_000289.6 (MANE Select); coding-DNA positions 1302 to 1303, 2 bases deleted (CG; older notation c.1302_1303delCG).
Protein change: p.Val435fs; shifts the reading frame from valine 435.
Molecular consequence: frameshift variant. On other transcripts: non-coding transcript variant (6).
Genome position (GRCh38, 1-based): chr12:48,140,832-48,140,833, CG deleted. VCF-style (leftmost placement, unchanged base first): chr12-48140831-TCG-T. GRCh37 (hg19) VCF-style: chr12-48534614-TCG-T.
Other names: c.1515_1516del, p.Val506fs (NM_001166686.2, NM_001354737.1, NM_001354738.1 and 1 more transcripts); c.1302_1303del, p.Val435fs (NM_001166687.2, NM_001166688.2, NM_001354742.2 and 2 more transcripts); c.1611_1612del, p.Val538fs (NM_001354735.1, NM_001354736.1); c.1446_1447del, p.Val483fs (NM_001354740.1); c.1326_1327del, p.Val443fs (NM_001354741.2); c.1215_1216del, p.Val406fs (NM_001354745.2); c.1176_1177del, p.Val393fs (NM_001354746.2); c.1152_1153del, p.Val385fs (NM_001354747.2, NM_001354748.2); and 2 more; short protein forms V385fs, V393fs, V404fs, V406fs, V435fs, V443fs, V475fs, V483fs.
Identifiers: ClinVar variation 5014129 (VCV005014129.1).

ClinVar aggregate classification (germline): Pathogenic (1 of 4 stars; one submission).

Conditions:
Glycogen storage disease, type VII (GSD7). Also called: GSD VII; MUSCLE PHOSPHOFRUCTOKINASE DEFICIENCY; PFKM DEFICIENCY; TARUI DISEASE. Identifiers: Orphanet 371, MedGen C0017926, MONDO:0009295, OMIM 232800.

Submission:

Myriad Genetics, Inc.
Classification: Pathogenic for Glycogen storage disease, type VII. Last evaluated: 2025-02-22. Review status: criteria provided, single submitter. Criteria: Myriad Autosomal Dominant, Autosomal Recessive and X-Linked Classification Criteria (2023). Collection method: clinical testing. Allele origin: unknown.
Comment: NM_001166686.1(PFKM):c.1515_1516delCG(V506Cfs*3) is expected to be pathogenic in the context of glycogen storage disease, PFKM-related. This variant is predicted to lead to an abnormal or absent protein product due to the creation of a premature termination codon in PFKM, a gene where loss-of-function variants are known to be pathogenic. Please note: this variant was assessed in the context of healthy population screening.